The following is an entry in ClinVar:

NM_000169.3(GLA):c.702T>G (p.Asp234Glu)

Genes: GLA (galactosidase alpha; minus strand), RPL36A-HNRNPH2 (RPL36A-HNRNPH2 readthrough; plus strand). Cytogenetic location: Xq22.1.
Variant type: single nucleotide variant.
Coding change: c.702T>G on transcript NM_000169.3 (MANE Select); coding-DNA position 702, T replaced by G.
Protein change: p.Asp234Glu; replaces aspartic acid 234 with glutamic acid.
Molecular consequence: missense variant. On other transcripts: non-coding transcript variant (3), intron variant (2).
Genome position (GRCh38, 1-based): chrX:101,398,884, A>C on the plus strand (T>G on the coding strand, the complement: GLA is on the minus strand). VCF-style: chrX-101398884-A-C. GRCh37 (hg19) VCF-style: chrX-100653872-A-C.
Other names: c.825T>G, p.Asp275Glu (NM_001406747.1); c.702T>G, p.Asp234Glu (NM_001406748.1); c.300+3427A>C (NM_001199973.2); c.177+7062A>C (NM_001199974.2); short protein forms D234E, D275E.
Identifiers: ClinVar variation 4087472 (VCV004087472.2).
Genomic context (GRCh38, chrX:101,398,884, plus strand): 5'-AACAATTCTCTCCTGGTTAAAAGATGTCCAGTCCAAGATACTCTTTATACTTTTCCAGGA[A>C]TCATCAATGTCAGCAAAATTTCGCCAGTGATTGCAGTACTGTCGGATTTCTGTATAATTG-3'
Protein context (NP_000160.1, residues 224-244): NHWRNFADID[Asp234Glu]SWKSIKSILD

ClinVar aggregate classification (germline): Likely pathogenic (1 of 4 stars; one submission).

Conditions:
Fabry disease. Also called: ALPHA-GALACTOSIDASE A DEFICIENCY; ANDERSON-FABRY DISEASE; CERAMIDE TRIHEXOSIDASE DEFICIENCY; GLA DEFICIENCY; HEREDITARY DYSTOPIC LIPIDOSIS; Angiokeratoma corporis diffusum. Identifiers: Orphanet 324, MedGen C0002986, MONDO:0010526, OMIM 301500, HP:0001071. Disease mechanism: Fabry disease is due to inactivating mutations in the X-linked GLA gene resulting in deficiency of the enzyme Alpha Galactosidase-A., loss of function.

Submission:

Genomenon, Inc
Classification: Likely pathogenic for Fabry disease. Last evaluated: 2026-09-08. Review status: criteria provided, single submitter. Criteria: Genomenon Sequence Variant Interpretation Standards - Updated. Collection method: curation. Allele origin: germline. Affected: yes.
Comment: GLA p.Asp234Glu (c.702T>G) is a missense variant that changes the amino acid at codon 234 from Aspartic acid to Glutamic acid. This variant has been observed in at least one proband with clinical features consistent with Fabry disease (PMID:16595074). At least one functional study has demonstrated a substantial alteration in protein function relative to the wild-type (PMID:27657681). It is absent or not present at a significant frequency in gnomAD. In silico models predict that this variant is possibly or probably damaging. In conclusion, we classify GLA p.Asp234Glu (c.702T>G) as a likely pathogenic variant.

Literature cited by the submitters: PubMed 16595074; PubMed 27657681.